The following is an entry in ClinVar:

ClinVar aggregate classification (germline): Uncertain significance. Review status: criteria provided, multiple submitters, no conflicts (2 of 4 stars). 3 submissions from 3 submitters: Uncertain significance (3). Last evaluated 2025-08-12.

Conditions:
LDLRAP1-related disorder. Also called: LDLRAP1-related condition.
Cardiovascular phenotype. Identifiers: MedGen CN230736.

gnomAD v4.1: 13 of 1,613,812 alleles (0.00081%); highest among the groups gnomAD compares: Non-Finnish European, 0.0011%; no homozygotes.

Submissions (3):

PreventionGenetics, part of Exact Sciences
Classification: Uncertain significance for LDLRAP1-related condition. Last evaluated: 2025-08-12. Review status: criteria provided, single submitter. Criteria: ACMG Guidelines, 2015. Collection method: clinical testing. Allele origin: germline.
Comment: The LDLRAP1 c.105G>C variant is predicted to result in the amino acid substitution p.Trp35Cys. To our knowledge, this variant has not been reported in the literature. This variant is reported in 0.0016% of alleles in individuals of European (Non-Finnish) descent in gnomAD. At this time, the clinical significance of this variant is uncertain due to the absence of conclusive functional and genetic evidence.

Women's Health and Genetics/Laboratory Corporation of America, LabCorp
Classification: Uncertain significance. Last evaluated: 2025-07-11. Review status: criteria provided, single submitter. Criteria: LabCorp Variant Classification Summary - May 2015. Collection method: clinical testing. Allele origin: germline.

Ambry Genetics
Classification: Uncertain significance for Cardiovascular phenotype. Last evaluated: 2024-11-19. Review status: criteria provided, single submitter. Criteria: Ambry Variant Classification Scheme 2023. Collection method: clinical testing. Allele origin: germline.
Comment: The p.W35C variant (also known as c.105G>C), located in coding exon 2 of the LDLRAP1 gene, results from a G to C substitution at nucleotide position 105. The tryptophan at codon 35 is replaced by cysteine, an amino acid with highly dissimilar properties. This amino acid position is highly conserved in available vertebrate species. In addition, this alteration is predicted to be deleterious by in silico analysis. Based on the available evidence, the clinical significance of this variant remains unclear.

NM_015627.3(LDLRAP1):c.105G>C (p.Trp35Cys)

Gene: LDLRAP1 (low density lipoprotein receptor adaptor protein 1; plus strand). Cytogenetic location: 1p36.11.
Variant type: single nucleotide variant.
Coding change: c.105G>C on transcript NM_015627.3 (MANE Select); coding-DNA position 105, G replaced by C.
Protein change: p.Trp35Cys; replaces tryptophan 35 with cysteine.
Molecular consequence: missense variant.
Genome position (GRCh38, 1-based): chr1:25,553,938, G>C. VCF-style: chr1-25553938-G-C. GRCh37 (hg19) VCF-style: chr1-25880429-G-C.
Other names: short protein forms W35C.
Identifiers: ClinVar variation 3537772 (VCV003537772.3).